The following is an entry in ClinVar:

NM_001005373.4(LRSAM1):c.175G>A (p.Val59Met)

Gene: LRSAM1 (leucine rich repeat and sterile alpha motif containing 1; plus strand). Cytogenetic location: 9q33.3.
Variant type: single nucleotide variant.
Coding change: c.175G>A on transcript NM_001005373.4 (MANE Select); coding-DNA position 175, G replaced by A.
Protein change: p.Val59Met; replaces valine 59 with methionine.
Molecular consequence: missense variant. On other transcripts: 5 prime UTR variant (1), non-coding transcript variant (2).
Genome position (GRCh38, 1-based): chr9:127,457,316, G>A. VCF-style: chr9-127457316-G-A. GRCh37 (hg19) VCF-style: chr9-130219595-G-A.
Other names: c.175G>A, p.Val59Met (NM_001005374.4, NM_001190723.3, NM_001384142.1 and 2 more transcripts); c.-610G>A (NM_001384144.1); short protein forms V59M.
Identifiers: ClinVar variation 3690785 (VCV003690785.2).

ClinVar aggregate classification (germline): Uncertain significance (1 of 4 stars; one submission).

Conditions:
Charcot-Marie-Tooth disease axonal type 2P. Also called: CHARCOT-MARIE-TOOTH NEUROPATHY, TYPE 2P; Charcot-Marie-Tooth Neuropathy Type 2G; CHARCOT-MARIE-TOOTH DISEASE, AXONAL, TYPE 2G; CMT 2G. Identifiers: Orphanet 300319, Orphanet 99941, MedGen C3280797, MONDO:0013753, OMIM 614436.

Submission:

Labcorp Genetics (formerly Invitae), Labcorp
Classification: Uncertain significance for Charcot-Marie-Tooth disease axonal type 2P. Last evaluated: 2024-05-22. Review status: criteria provided, single submitter. Criteria: Invitae Variant Classification Sherloc (09022015). Collection method: clinical testing. Allele origin: germline.
Comment: This sequence change replaces valine, which is neutral and non-polar, with methionine, which is neutral and non-polar, at codon 59 of the LRSAM1 protein (p.Val59Met). This variant is not present in population databases (gnomAD no frequency). This variant has not been reported in the literature in individuals affected with LRSAM1-related conditions. An algorithm developed to predict the effect of missense changes on protein structure and function (PolyPhen-2) suggests that this variant is likely to be disruptive. Algorithms developed to predict the effect of sequence changes on RNA splicing suggest that this variant may create or strengthen a splice site. In summary, the available evidence is currently insufficient to determine the role of this variant in disease. Therefore, it has been classified as a Variant of Uncertain Significance.